The following is an entry in ClinVar:

ClinVar aggregate classification (germline): Uncertain significance. Review status: criteria provided, multiple submitters, no conflicts (2 of 4 stars). 2 submissions from 2 submitters: Uncertain significance (2). Last evaluated 2025-01-29.

Conditions:
Inborn genetic diseases. Identifiers: MedGen C0950123, MeSH D030342.

Allele frequency attached by ClinVar (database versions not stated): gnomAD exomes below 0.00001; gnomAD 0.00001; TOPMed 0.00001.
gnomAD v4.1: 9 of 1,614,072 alleles (0.00056%); highest among the groups gnomAD compares: Non-Finnish European, 0.00068%; no homozygotes.

Submissions (2):

Ambry Genetics
Classification: Uncertain significance for Inborn genetic diseases. Last evaluated: 2025-01-29. Review status: criteria provided, single submitter. Criteria: Ambry Variant Classification Scheme 2023. Collection method: clinical testing. Allele origin: germline.

Labcorp Genetics (formerly Invitae), Labcorp
Classification: Uncertain significance. Last evaluated: 2022-08-23. Review status: criteria provided, single submitter. Criteria: Invitae Variant Classification Sherloc (09022015). Collection method: clinical testing. Allele origin: germline.
Comment: In summary, the available evidence is currently insufficient to determine the role of this variant in disease. Therefore, it has been classified as a Variant of Uncertain Significance. Algorithms developed to predict the effect of missense changes on protein structure and function (SIFT, PolyPhen-2, Align-GVGD) all suggest that this variant is likely to be tolerated. This variant has not been reported in the literature in individuals affected with SLC39A14-related conditions. This sequence change replaces glutamic acid, which is acidic and polar, with aspartic acid, which is acidic and polar, at codon 139 of the SLC39A14 protein (p.Glu139Asp). This variant is present in population databases (no rsID available, gnomAD 0.003%).

NM_001128431.4(SLC39A14):c.417G>T (p.Glu139Asp)

Gene: SLC39A14 (solute carrier family 39 member 14; plus strand). Cytogenetic location: 8p21.3.
Variant type: single nucleotide variant.
Coding change: c.417G>T on transcript NM_001128431.4 (MANE Select); coding-DNA position 417, G replaced by T.
Protein change: p.Glu139Asp; replaces glutamic acid 139 with aspartic acid.
Molecular consequence: missense variant.
Genome position (GRCh38, 1-based): chr8:22,408,456, G>T. VCF-style: chr8-22408456-G-T. GRCh37 (hg19) VCF-style: chr8-22265969-G-T.
Other names: c.417G>T, p.Glu139Asp (NM_001135153.3, NM_001135154.3, NM_001351655.2 and 3 more transcripts); c.447G>T, p.Glu149Asp (NM_001351657.2, NM_001351658.2, NM_001351659.2); c.417G>T (NM_001135153.1); short protein forms E149D, E139D.
Identifiers: ClinVar variation 1979259 (VCV001979259.5), dbSNP rs1034284865, ClinGen allele CA173867684.